The following is an entry in ClinVar:

ClinVar aggregate classification (germline): Likely benign. Review status: criteria provided, multiple submitters, no conflicts (2 of 4 stars). 2 submissions from 2 submitters: Likely benign (2). Last evaluated 2025-12-31.

Conditions:
Ehlers-Danlos syndrome, classic type, 1 (EDSCL1). Also called: EHLERS-DANLOS SYNDROME, GRAVIS TYPE; EHLERS-DANLOS SYNDROME, SEVERE CLASSIC TYPE; Ehlers-Danlos syndrome, type 1; Ehlers-Danlos Syndrome, Classic Type, COL5A1-Related; EDS I. Identifiers: MedGen C0268335, MONDO:0019567, OMIM 130000.

Allele frequency attached by ClinVar (database versions not stated): 1000 Genomes Project 30x 0.00031; TOPMed 0.00002; 1000 Genomes Project 0.00040.
gnomAD v4.1: 11 of 1,612,934 alleles (0.00068%); highest among the groups gnomAD compares: East Asian, 0.025%; no homozygotes.

Submissions (2):

Labcorp Genetics (formerly Invitae), Labcorp
Classification: Likely benign for Ehlers-Danlos syndrome, classic type, 1. Last evaluated: 2025-12-31. Review status: criteria provided, single submitter. Criteria: Invitae Variant Classification Sherloc (09022015). Collection method: clinical testing. Allele origin: germline.

Women's Health and Genetics/Laboratory Corporation of America, LabCorp
Classification: Likely benign. Last evaluated: 2025-05-13. Review status: criteria provided, single submitter. Criteria: LabCorp Variant Classification Summary - May 2015. Collection method: clinical testing. Allele origin: germline.
Comment: Variant summary: COL5A2 c.1775C>G (p.Ala592Gly) results in a non-conservative amino acid change in the encoded protein sequence. Algorithms developed to predict the effect of missense changes on protein structure and function all suggest that this variant is likely to be disruptive. The variant allele was found at a frequency of 4e-05 in 250326 control chromosomes, predominantly at a frequency of 0.00055 within the East Asian subpopulation in the gnomAD database. The observed variant frequency within East Asian control individuals in the gnomAD database is approximately 17.6 fold of the estimated maximal expected allele frequency for a pathogenic variant in COL5A2 causing Ehlers-Danlos syndrome, classic type, 2 phenotype (3.1e-05). To our knowledge, no occurrence of c.1775C>G in individuals affected with Ehlers-Danlos syndrome, classic type, 2 and no experimental evidence demonstrating its impact on protein function have been reported. ClinVar contains an entry for this variant (Variation ID: 2727336). Based on the evidence outlined above, the variant was classified as likely benign.

NM_000393.5(COL5A2):c.1775C>G (p.Ala592Gly)

Gene: COL5A2 (collagen type V alpha 2 chain; minus strand). Cytogenetic location: 2q32.2.
Variant type: single nucleotide variant.
Coding change: c.1775C>G on transcript NM_000393.5 (MANE Select); coding-DNA position 1775, C replaced by G.
Protein change: p.Ala592Gly; replaces alanine 592 with glycine.
Molecular consequence: missense variant.
Genome position (GRCh38, 1-based): chr2:189,063,266, G>C on the plus strand (C>G on the coding strand, the complement: COL5A2 is on the minus strand). VCF-style: chr2-189063266-G-C. GRCh37 (hg19) VCF-style: chr2-189927992-G-C.
Other names: short protein forms A592G.
Identifiers: ClinVar variation 2727336 (VCV002727336.4), dbSNP rs145169816, ClinGen allele CA2022571.